The following is an entry in ClinVar:

ClinVar aggregate classification (germline): Uncertain significance (1 of 4 stars; one submission).

Conditions:
TMEM67-related disorder. Also called: TMEM67-related disorders; TMEM67-related condition. Identifiers: MedGen CN239423.

gnomAD v4.1: 1 of 1,608,148 alleles (0.000062%); highest among the groups gnomAD compares: Non-Finnish European, 0.000085%; no homozygotes.

Submission:

PreventionGenetics, part of Exact Sciences
Classification: Uncertain significance for TMEM67-related condition. Last evaluated: 2025-02-05. Review status: criteria provided, single submitter. Criteria: ACMG Guidelines, 2015. Collection method: clinical testing. Allele origin: germline.
Comment: The TMEM67 c.2575C>G variant is predicted to result in the amino acid substitution p.Leu859Val. To our knowledge, this variant has not been reported in the literature or in a large population database (gnomAD), indicating this variant is rare. At this time, the clinical significance of this variant is uncertain due to the absence of conclusive functional and genetic evidence.

NM_153704.6(TMEM67):c.2575C>G (p.Leu859Val)

Gene: TMEM67 (transmembrane protein 67; plus strand). Cytogenetic location: 8q22.1.
Variant type: single nucleotide variant.
Coding change: c.2575C>G on transcript NM_153704.6 (MANE Select); coding-DNA position 2575, C replaced by G.
Protein change: p.Leu859Val; replaces leucine 859 with valine.
Molecular consequence: missense variant. On other transcripts: non-coding transcript variant (1).
Genome position (GRCh38, 1-based): chr8:93,809,075, C>G. VCF-style: chr8-93809075-C-G. GRCh37 (hg19) VCF-style: chr8-94821303-C-G.
Other names: c.2332C>G, p.Leu778Val (NM_001142301.1); short protein forms L778V, L859V.
Identifiers: ClinVar variation 5000544 (VCV005000544.1).